The following is an entry in ClinVar:

NM_001184.4(ATR):c.7768A>G (p.Thr2590Ala)

Gene: ATR (ATR serine/threonine kinase; minus strand). Cytogenetic location: 3q23.
Variant type: single nucleotide variant.
Coding change: c.7768A>G on transcript NM_001184.4 (MANE Select); coding-DNA position 7768, A replaced by G.
Protein change: p.Thr2590Ala; replaces threonine 2590 with alanine.
Molecular consequence: missense variant.
Genome position (GRCh38, 1-based): chr3:142,449,596, T>C on the plus strand (A>G on the coding strand, the complement: ATR is on the minus strand). VCF-style: chr3-142449596-T-C. GRCh37 (hg19) VCF-style: chr3-142168438-T-C.
Other names: c.7576A>G, p.Thr2526Ala (NM_001354579.2); short protein forms T2590A, T2526A.
Identifiers: ClinVar variation 3332096 (VCV003332096.1).

ClinVar aggregate classification (germline): Uncertain significance (1 of 4 stars; one submission).

Conditions:
Inborn genetic diseases. Identifiers: MedGen C0950123, MeSH D030342.

Submission:

Ambry Genetics
Classification: Uncertain significance for Inborn genetic diseases. Last evaluated: 2024-06-08. Review status: criteria provided, single submitter. Criteria: Ambry Variant Classification Scheme 2023. Collection method: clinical testing. Allele origin: germline.
Comment: The p.T2590A variant (also known as c.7768A>G), located in coding exon 47 of the ATR gene, results from an A to G substitution at nucleotide position 7768. The threonine at codon 2590 is replaced by alanine, an amino acid with similar properties. This amino acid position is conserved. In addition, this alteration is predicted to be tolerated by in silico analysis. Based on the available evidence, the clinical significance of this variant remains unclear.